The following is an entry in ClinVar:

NM_004415.4(DSP):c.3298T>G (p.Cys1100Gly)

Gene: DSP (desmoplakin; plus strand). Cytogenetic location: 6p24.3.
Variant type: single nucleotide variant.
Coding change: c.3298T>G on transcript NM_004415.4 (MANE Select); coding-DNA position 3298, T replaced by G.
Protein change: p.Cys1100Gly; replaces cysteine 1100 with glycine.
Molecular consequence: missense variant.
Genome position (GRCh38, 1-based): chr6:7,579,488, T>G. VCF-style: chr6-7579488-T-G. GRCh37 (hg19) VCF-style: chr6-7579721-T-G.
Other names: c.3298T>G (LRG_423t1); c.3298T>G, p.Cys1100Gly (NM_001008844.3, NM_001319034.2); short protein forms C1100G.
Identifiers: ClinVar variation 629772 (VCV000629772.14), dbSNP rs757539604, ClinGen allele CA362683582.

ClinVar aggregate classification (germline): Uncertain significance. Review status: criteria provided, multiple submitters, no conflicts (2 of 4 stars). 2 submissions from 2 submitters: Uncertain significance (2). Last evaluated 2024-01-15.

Conditions:
Arrhythmogenic cardiomyopathy with wooly hair and keratoderma. Also called: PALMOPLANTAR KERATODERMA WITH LEFT VENTRICULAR CARDIOMYOPATHY AND WOOLLY HAIR; Carvajal syndrome; Dilated cardiomyopathy with woolly hair and keratoderma; Arrhythmogenic cardiomyopathy with woolly hair and keratoderma. Identifiers: Orphanet 65282, MedGen C1854063, MONDO:0011581, OMIM 605676.
Arrhythmogenic right ventricular dysplasia 8 (ARVD8). Also called: ARRHYTHMOGENIC RIGHT VENTRICULAR DYSPLASIA, FAMILIAL, 8; ARRHYTHMOGENIC RIGHT VENTRICULAR CARDIOMYOPATHY 8; Arrhythmogenic Right Ventricular Dysplasia/Cardiomyopathy 8. Identifiers: MedGen C1843896, MONDO:0011831, OMIM 607450.
Cardiomyopathy (CMYO). Also called: Cardiomyopathies. Identifiers: Orphanet 167848, MedGen C0878544, MONDO:0004994, HP:0001638. Inheritance: Various modes of inheritance.

Submissions (2):

Labcorp Genetics (formerly Invitae), Labcorp
Classification: Uncertain significance for Arrhythmogenic cardiomyopathy with wooly hair and keratoderma; Arrhythmogenic right ventricular dysplasia 8. Last evaluated: 2024-01-15. Review status: criteria provided, single submitter. Criteria: Invitae Variant Classification Sherloc (09022015). Collection method: clinical testing. Allele origin: germline.
Comment: This sequence change replaces cysteine, which is neutral and slightly polar, with glycine, which is neutral and non-polar, at codon 1100 of the DSP protein (p.Cys1100Gly). This variant is not present in population databases (gnomAD no frequency). This variant has not been reported in the literature in individuals affected with DSP-related conditions. ClinVar contains an entry for this variant (Variation ID: 629772). An algorithm developed to predict the effect of missense changes on protein structure and function (PolyPhen-2) suggests that this variant is likely to be disruptive. In summary, the available evidence is currently insufficient to determine the role of this variant in disease. Therefore, it has been classified as a Variant of Uncertain Significance.

Color Diagnostics, LLC DBA Color Health
Classification: Uncertain significance for Cardiomyopathy. Last evaluated: 2023-12-04. Review status: criteria provided, single submitter. Criteria: ACMG Guidelines, 2015. Collection method: clinical testing. Allele origin: germline.
Comment: Variant of Uncertain Significance due to insufficient evidence: This missense variant is located in the central rod domain of the DSP protein that is thought to form a dimeric coiled coil. Computational prediction tools and conservation analyses are inconclusive regarding the impact of this variant on the protein function. Computational splicing tools suggest that this variant may not impact RNA splicing. To our knowledge, functional assays have not been performed for this variant nor has this variant been reported in individuals affected with cardiovascular disorders in the literature. This variant is rare in the general population and has been identified in 0/277264 chromosomes by the Genome Aggregation Database (gnomAD). Available evidence is insufficient to determine the pathogenicity of this variant conclusively.